The following is an entry in ClinVar:

NM_000465.4(BARD1):c.2303T>A (p.Met768Lys)

Gene: BARD1 (BRCA1 associated RING domain 1; minus strand). Cytogenetic location: 2q35.
Variant type: single nucleotide variant.
Coding change: c.2303T>A on transcript NM_000465.4 (MANE Select); coding-DNA position 2303, T replaced by A.
Protein change: p.Met768Lys; replaces methionine 768 with lysine.
Molecular consequence: missense variant. On other transcripts: non-coding transcript variant (3).
Genome position (GRCh38, 1-based): chr2:214,728,707, A>T on the plus strand (T>A on the coding strand, the complement: BARD1 is on the minus strand). VCF-style: chr2-214728707-A-T. GRCh37 (hg19) VCF-style: chr2-215593431-A-T.
Other names: c.2246T>A, p.Met749Lys (NM_001282543.2); c.950T>A, p.Met317Lys (NM_001282545.2); c.893T>A, p.Met298Lys (NM_001282548.2); c.764T>A, p.Met255Lys (NM_001282549.2); short protein forms M255K, M298K, M317K, M768K, M749K.
Identifiers: ClinVar variation 3663149 (VCV003663149.2).
Genomic context (GRCh38, chr2:214,728,707, plus strand): 5'-CAATTTGAAATGTTCATCTGGTATAATATTCAGCTGTCAAGAGGAAGCAACTCAAAGGAC[A>T]TCACACAGTCTATAAACCAGCTCGAAGGAGCCTTCCAGACTTTGCCCTGCCGAACCCTCT-3'
Protein context (NP_000456.2, residues 758-777): APSSWFIDCV[Met768Lys]SFELLPLDS

ClinVar aggregate classification (germline): Uncertain significance (1 of 4 stars; one submission).

Conditions:
Familial cancer of breast. Also called: Hereditary breast cancer; hereditary breast carcinoma; BREAST CANCER, FAMILIAL. Identifiers: Orphanet 227535, MedGen C0346153, MONDO:0016419, OMIM 114480. Disease mechanism: loss of function.

Submission:

Labcorp Genetics (formerly Invitae), Labcorp
Classification: Uncertain significance for Familial cancer of breast. Last evaluated: 2024-08-21. Review status: criteria provided, single submitter. Criteria: Invitae Variant Classification Sherloc (09022015). Collection method: clinical testing. Allele origin: germline.
Comment: This sequence change replaces methionine, which is neutral and non-polar, with lysine, which is basic and polar, at codon 768 of the BARD1 protein (p.Met768Lys). This variant is not present in population databases (gnomAD no frequency). This variant has not been reported in the literature in individuals affected with BARD1-related conditions. An algorithm developed to predict the effect of missense changes on protein structure and function (PolyPhen-2) suggests that this variant is likely to be tolerated. In summary, the available evidence is currently insufficient to determine the role of this variant in disease. Therefore, it has been classified as a Variant of Uncertain Significance.